The following is an entry in ClinVar:

ClinVar aggregate classification (germline): Conflicting classifications of pathogenicity. Review status: criteria provided, conflicting classifications (1 of 4 stars). 3 submissions from 3 submitters: Uncertain significance (1); Likely benign (2). Last evaluated 2026-06-10.

Conditions:
PKD1-related disorder. Also called: PKD1-related condition.
Polycystic kidney disease, adult type (PKD1). Also called: Polycystic Kidney Disease 1, Autosomal Dominant; Polycystic kidney disease 1; Polycystic kidney disease 1, severe; Polycystic Kidney, Autosomal Dominant; POLYCYSTIC KIDNEY DISEASE, ADULT, TYPE I; POLYCYSTIC KIDNEY DISEASE 1 WITH OR WITHOUT POLYCYSTIC LIVER DISEASE. Identifiers: MedGen C3149841, MONDO:0008263, OMIM 173900.

gnomAD v4.1: 37 of 1,609,252 alleles (0.0023%); highest among the groups gnomAD compares: East Asian, 0.0089%; no homozygotes.

Submissions (3):

PreventionGenetics, part of Exact Sciences
Classification: Likely benign for PKD1-related condition. Last evaluated: 2026-06-10. Review status: criteria provided, single submitter. Criteria: ACMG Guidelines, 2015. Collection method: clinical testing. Allele origin: germline.
Comment: This variant is classified as likely benign based on ACMG/AMP sequence variant interpretation guidelines (Richards et al. 2015 PMID: 25741868, with internal and published modifications).

Women's Health and Genetics/Laboratory Corporation of America, LabCorp
Classification: Likely benign. Last evaluated: 2025-09-15. Review status: criteria provided, single submitter. Criteria: LabCorp Variant Classification Summary - May 2015. Collection method: clinical testing. Allele origin: germline.

Fulgent Genetics
Classification: Uncertain significance for Polycystic kidney disease, adult type. Last evaluated: 2024-01-17. Review status: criteria provided, single submitter. Criteria: ACMG Guidelines, 2015. Collection method: clinical testing. Allele origin: germline.

NM_001009944.3(PKD1):c.7623G>A (p.Pro2541=)

Gene: PKD1 (polycystin 1, transient receptor potential channel interacting; minus strand). Cytogenetic location: 16p13.3.
Variant type: single nucleotide variant.
Coding change: c.7623G>A on transcript NM_001009944.3 (MANE Select); coding-DNA position 7623, G replaced by A.
Protein change: p.Pro2541=; no amino-acid change (proline 2541 retained).
Molecular consequence: synonymous variant.
Genome position (GRCh38, 1-based): chr16:2,106,171, C>T on the plus strand (G>A on the coding strand, the complement: PKD1 is on the minus strand). VCF-style: chr16-2106171-C-T. GRCh37 (hg19) VCF-style: chr16-2156172-C-T.
Other names: c.7623G>A, p.Pro2541= (NM_000296.4).
Identifiers: ClinVar variation 3579256 (VCV003579256.3).